The following is an entry in ClinVar:

NM_000530.8(MPZ):c.*568C>G

Gene: MPZ (myelin protein zero; minus strand). Cytogenetic location: 1q23.3.
Variant type: single nucleotide variant.
Coding change: c.*568C>G on transcript NM_000530.8 (MANE Select); 568 bases downstream of the stop codon, C replaced by G.
Molecular consequence: 3 prime UTR variant.
Genome position (GRCh38, 1-based): chr1:161,305,308, G>C on the plus strand (C>G on the coding strand, the complement: MPZ is on the minus strand). VCF-style: chr1-161305308-G-C. GRCh37 (hg19) VCF-style: chr1-161275098-G-C.
Other names: c.*568C>G (LRG_256t1); c.*376C>G (NM_001315491.2).
Identifiers: ClinVar variation 293308 (VCV000293308.7), dbSNP rs60731755, ClinGen allele CA10608010.

ClinVar aggregate classification (germline): Benign/Likely benign. Review status: criteria provided, multiple submitters, no conflicts (2 of 4 stars). 5 submissions from 2 submitters: Benign (3); Likely benign (2). Last evaluated 2021-05-13.

Conditions:
Charcot-Marie-Tooth disease type 1B. Also called: CHARCOT-MARIE-TOOTH DISEASE, AUTOSOMAL DOMINANT, WITH FOCALLY FOLDED MYELIN SHEATHS, TYPE 1B; CHARCOT-MARIE-TOOTH DISEASE, SLOW NERVE CONDUCTION TYPE, LINKED TO DUFFY; CHARCOT-MARIE-TOOTH NEUROPATHY, TYPE 1B; HEREDITARY MOTOR AND SENSORY NEUROPATHY I; HEREDITARY MOTOR AND SENSORY NEUROPATHY IB; PERONEAL MUSCULAR ATROPHY. Identifiers: Orphanet 101082, MedGen C0270912, MONDO:0007307, OMIM 118200.
Roussy-Lévy syndrome. Also called: Roussy-Levy Syndrome; Roussy Levy hereditary areflexic dystasia; Roussy-Levy disease; Hereditary areflexic dystasia. Identifiers: Orphanet 3115, MedGen C0205713, MONDO:0008392, OMIM 180800.
Neuropathy, congenital hypomyelinating, 2. Identifiers: MedGen C4722277, MONDO:0020765, OMIM 618184.
Charcot-Marie-Tooth disease dominant intermediate D. Also called: CHARCOT-MARIE-TOOTH NEUROPATHY, DOMINANT INTERMEDIATE D; Charcot-Marie-Tooth disease dominant intermediate 3; CMT DI3. Identifiers: Orphanet 100046, MedGen C1843075, MONDO:0011909, OMIM 607791.

Allele frequency attached by ClinVar (database versions not stated): gnomAD exomes 0.00022; gnomAD 0.01208 and 0.01265; TOPMed 0.01405; 1000 Genomes Project 0.01757; 1000 Genomes Project 30x 0.01952.
gnomAD v4.1: 1,820 of 156,866 alleles (1.2%); highest among the groups gnomAD compares: African/African-American, 3.9%; 42 homozygotes.

Submissions (5):

GeneDx
Classification: Likely benign. Last evaluated: 2021-05-13. Review status: criteria provided, single submitter. Criteria: GeneDx Variant Classification Process June 2021. Collection method: clinical testing. Allele origin: germline. Affected: yes.

Illumina Laboratory Services, Illumina
Classification: Benign for Charcot-Marie-Tooth disease type 1B. Last evaluated: 2018-01-13. Review status: criteria provided, single submitter. Criteria: ICSL Variant Classification Criteria 13 December 2019. Collection method: clinical testing. Allele origin: germline.
Comment: This variant was observed in the ICSL laboratory as part of a predisposition screen in an ostensibly healthy population. It had not been previously curated by ICSL or reported in the Human Gene Mutation Database (HGMD: prior to June 1st, 2018), and was therefore a candidate for classification through an automated scoring system. Utilizing variant allele frequency, disease prevalence and penetrance estimates, and inheritance mode, an automated score was calculated to assess if this variant is too frequent to cause the disease. Based on the score and internal cut-off values, a variant classified as benign is not then subjected to further curation. The score for this variant resulted in a classification of benign for this disease.

Illumina Laboratory Services, Illumina
Classification: Benign for Charcot-Marie-Tooth disease dominant intermediate D. Last evaluated: 2018-01-13. Review status: criteria provided, single submitter. Criteria: ICSL Variant Classification Criteria 13 December 2019. Collection method: clinical testing. Allele origin: germline.
Comment: the same text as in the submission from Illumina Laboratory Services, Illumina above.

Illumina Laboratory Services, Illumina
Classification: Likely benign for Neuropathy, congenital hypomyelinating, 2. Last evaluated: 2018-01-13. Review status: criteria provided, single submitter. Criteria: ICSL Variant Classification Criteria 13 December 2019. Collection method: clinical testing. Allele origin: germline.
Comment: This variant was observed in the ICSL laboratory as part of a predisposition screen in an ostensibly healthy population. It had not been previously curated by ICSL or reported in the Human Gene Mutation Database (HGMD: prior to June 1st, 2018), and was therefore a candidate for classification through an automated scoring system. Utilizing variant allele frequency, disease prevalence and penetrance estimates, and inheritance mode, an automated score was calculated to assess if this variant is too frequent to cause the disease. Based on the score and internal cut-off values, a variant classified as likely benign is not then subjected to further curation. The score for this variant resulted in a classification of likely benign for this disease.

Illumina Laboratory Services, Illumina
Classification: Benign for Roussy-Lévy syndrome. Last evaluated: 2018-01-13. Review status: criteria provided, single submitter. Criteria: ICSL Variant Classification Criteria 13 December 2019. Collection method: clinical testing. Allele origin: germline.
Comment: the same text as in the submission from Illumina Laboratory Services, Illumina above.